The following is an entry in ClinVar:

NM_001267550.2(TTN):c.63950C>T (p.Thr21317Ile)

Genes: TTN (titin; minus strand), TTN-AS1 (TTN antisense RNA 1; plus strand). Cytogenetic location: 2q31.2.
Variant type: single nucleotide variant.
Coding change: c.63950C>T on transcript NM_001267550.2 (MANE Select); coding-DNA position 63950, C replaced by T.
Protein change: p.Thr21317Ile; replaces threonine 21317 with isoleucine.
Molecular consequence: missense variant.
Genome position (GRCh38, 1-based): chr2:178,587,261, G>A on the plus strand (C>T on the coding strand, the complement: TTN is on the minus strand). VCF-style: chr2-178587261-G-A. GRCh37 (hg19) VCF-style: chr2-179451988-G-A.
Other names: c.59027C>T, p.Thr19676Ile (NM_001256850.1); c.36755C>T, p.Thr12252Ile (NM_003319.4); c.56246C>T, p.Thr18749Ile (NM_133378.4); c.37130C>T, p.Thr12377Ile (NM_133432.3); c.37331C>T, p.Thr12444Ile (NM_133437.4); short protein forms T12252I, T12377I, T12444I, T18749I, T19676I, T21317I.
Identifiers: ClinVar variation 2500554 (VCV002500554.1), dbSNP rs2469281247, ClinGen allele CA349447540.

ClinVar aggregate classification (germline): Uncertain significance (1 of 4 stars; one submission).

Allele frequency attached by ClinVar (database versions not stated): gnomAD exomes below 0.00001.
gnomAD v4.1: 1 of 1,613,142 alleles (0.000062%); highest among the groups gnomAD compares: South Asian, 0.0011%; no homozygotes.

Submission:

GeneDx
Classification: Uncertain significance. Last evaluated: 2022-10-31. Review status: criteria provided, single submitter. Criteria: GeneDx Variant Classification Process June 2021. Collection method: clinical testing. Allele origin: germline. Affected: yes.
Comment: Not observed at significant frequency in large population cohorts (gnomAD); Missense variant in a gene in which most reported pathogenic variants are truncating/loss of function; Has not been previously published as pathogenic or benign to our knowledge